The following is an entry in ClinVar:

ClinVar aggregate classification (germline): Pathogenic/Likely pathogenic. Review status: criteria provided, multiple submitters, no conflicts (2 of 4 stars). 3 submissions from 3 submitters: Pathogenic (1); Likely pathogenic (2). Last evaluated 2025-11-19.

Conditions:
Glycogen storage disease type III (GSD3). Also called: FORBES DISEASE; Cori disease. Identifiers: Orphanet 366, MedGen C0017922, MONDO:0009291, OMIM 232400.

Submissions (3):

Natera, Inc.
Classification: Likely pathogenic for Glycogen storage disease type III. Last evaluated: 2025-11-19. Review status: criteria provided, single submitter. Criteria: Natera Variant Classification Schema (03/2026). Collection method: clinical testing. Allele origin: germline.
Comment: The c.3229_3230del variant in AGL is a frameshift variant predicted to shift the reading frame beginning at codon 1077 and leads to a stop codon 31 codons downstream. This variant is expected to result in nonsense mediated decay, truncation, or a dysfunctional protein product. This variant is rare in the general population with a frequency below the threshold expected for the associated phenotype(s). Given the available evidence, this variant is classified as Likely Pathogenic.

Baylor Genetics
Classification: Likely pathogenic for Glycogen storage disease type III. Last evaluated: 2024-03-14. Review status: criteria provided, single submitter. Criteria: ACMG Guidelines, 2015. Collection method: clinical testing. Allele origin: unknown.

Labcorp Genetics (formerly Invitae), Labcorp
Classification: Pathogenic for Glycogen storage disease type III. Last evaluated: 2022-11-01. Review status: criteria provided, single submitter. Criteria: Invitae Variant Classification Sherloc (09022015). Collection method: clinical testing. Allele origin: germline.
Comment: For these reasons, this variant has been classified as Pathogenic. ClinVar contains an entry for this variant (Variation ID: 1454793). This variant has not been reported in the literature in individuals affected with AGL-related conditions. This variant is present in population databases (no rsID available, gnomAD 0.006%). This sequence change creates a premature translational stop signal (p.Lys1077Glyfs*31) in the AGL gene. It is expected to result in an absent or disrupted protein product. Loss-of-function variants in AGL are known to be pathogenic (PMID: 19299494).

Literature cited by the submitters: PubMed 19299494 (cited by Labcorp Genetics (formerly Invitae), Labcorp).

NM_000642.3(AGL):c.3229_3230del (p.Lys1077fs)

Gene: AGL (amylo-alpha-1,6-glucosidase and 4-alpha-glucanotransferase; plus strand). Cytogenetic location: 1p21.2.
Variant type: Deletion.
Coding change: c.3229_3230del on transcript NM_000642.3 (MANE Select); coding-DNA positions 3229 to 3230, 2 bases deleted (AA; older notation c.3229_3230delAA).
Protein change: p.Lys1077fs; shifts the reading frame from lysine 1077.
Molecular consequence: frameshift variant.
Genome position (GRCh38, 1-based): chr1:99,892,577-99,892,578, AA deleted; deleting any 2 consecutive bases within chr1:99,892,575-99,892,578 gives the same sequence; the c. name uses the placement nearest the transcript's 3' end. VCF-style (leftmost placement, unchanged base first): chr1-99892574-GAA-G. GRCh37 (hg19) VCF-style: chr1-100358130-GAA-G.
Other names: c.3229_3230delAA, p.Lys1077Glyfs (NM_000028.3, NM_000643.3, NM_000644.3 and 1 more transcripts); c.3181_3182delAA, p.Lys1061Glyfs (NM_000646.3); c.3208_3209delAA, p.Lys1070Glyfs (NM_001425326.1); c.3028_3029delAA, p.Lys1010Glyfs (NM_001425327.1); c.3025_3026delAA, p.Lys1009Glyfs (NM_001425328.1); c.2890_2891delAA, p.Lys964Glyfs (NM_001425329.1); c.2851_2852delAA, p.Lys951Glyfs (NM_001425332.1); c.3229_3230del (NM_000642.2); short protein forms K1061fs, K1077fs.
Identifiers: ClinVar variation 1454793 (VCV001454793.8), dbSNP rs1557773719, ClinGen allele CA524878468.